The following is an entry in ClinVar:

NM_004260.4(RECQL4):c.598G>A (p.Asp200Asn)

Gene: RECQL4 (RecQ like helicase 4; minus strand). Cytogenetic location: 8q24.3.
Variant type: single nucleotide variant.
Coding change: c.598G>A on transcript NM_004260.4 (MANE Select); coding-DNA position 598, G replaced by A.
Protein change: p.Asp200Asn; replaces aspartic acid 200 with asparagine.
Molecular consequence: missense variant.
Genome position (GRCh38, 1-based): chr8:144,516,521, C>T on the plus strand (G>A on the coding strand, the complement: RECQL4 is on the minus strand). VCF-style: chr8-144516521-C-T. GRCh37 (hg19) VCF-style: chr8-145741905-C-T.
Other names: c.598G>A (NM_004260.3); short protein forms D200N.
Identifiers: ClinVar variation 1047179 (VCV001047179.6), dbSNP rs779547501, ClinGen allele CA187689261.

ClinVar aggregate classification (germline): Uncertain significance. Review status: criteria provided, multiple submitters, no conflicts (2 of 4 stars). 2 submissions from 2 submitters: Uncertain significance (2). Last evaluated 2025-01-14.

Conditions:
Baller-Gerold syndrome (BGS). Also called: CRANIOSYNOSTOSIS WITH RADIAL DEFECTS. Identifiers: Orphanet 1225, MedGen C0265308, MONDO:0009039, OMIM 218600.
Inborn genetic diseases. Identifiers: MedGen C0950123, MeSH D030342.

Allele frequency attached by ClinVar (database versions not stated): TOPMed 0.00001.

Submissions (2):

Ambry Genetics
Classification: Uncertain significance for Inborn genetic diseases. Last evaluated: 2025-01-14. Review status: criteria provided, single submitter. Criteria: Ambry Variant Classification Scheme 2023. Collection method: clinical testing. Allele origin: germline.
Comment: The p.D200N variant (also known as c.598G>A), located in coding exon 5 of the RECQL4 gene, results from a G to A substitution at nucleotide position 598. The aspartic acid at codon 200 is replaced by asparagine, an amino acid with highly similar properties. This amino acid position is conserved. In addition, this alteration is predicted to be tolerated by in silico analysis. Based on the available evidence, the clinical significance of this variant remains unclear.

Labcorp Genetics (formerly Invitae), Labcorp
Classification: Uncertain significance for Baller-Gerold syndrome. Last evaluated: 2024-11-13. Review status: criteria provided, single submitter. Criteria: Invitae Variant Classification Sherloc (09022015). Collection method: clinical testing. Allele origin: germline.
Comment: This sequence change replaces aspartic acid, which is acidic and polar, with asparagine, which is neutral and polar, at codon 200 of the RECQL4 protein (p.Asp200Asn). This variant is not present in population databases (gnomAD no frequency). This variant has not been reported in the literature in individuals affected with RECQL4-related conditions. ClinVar contains an entry for this variant (Variation ID: 1047179). Invitae Evidence Modeling of protein sequence and biophysical properties (such as structural, functional, and spatial information, amino acid conservation, physicochemical variation, residue mobility, and thermodynamic stability) indicates that this missense variant is not expected to disrupt RECQL4 protein function with a negative predictive value of 80%. In summary, the available evidence is currently insufficient to determine the role of this variant in disease. Therefore, it has been classified as a Variant of Uncertain Significance.